The following is an entry in ClinVar:

ClinVar aggregate classification (germline): Likely benign (0 of 4 stars; one submission).

Conditions:
ATP2A3-related disorder. Also called: ATP2A3-related condition.

Allele frequency attached by ClinVar (database versions not stated): gnomAD 0.00001; TOPMed 0.00003; ESP Exome Variant Server 0.00008.
gnomAD v4.1: 19 of 1,613,002 alleles (0.0012%); highest among the groups gnomAD compares: Middle Eastern, 0.049%; no homozygotes.

Submission:

PreventionGenetics, part of Exact Sciences
Classification: Likely benign for ATP2A3-related condition. Last evaluated: 2019-05-23. Review status: no assertion criteria provided. Collection method: clinical testing. Allele origin: germline.
Comment: This variant is classified as likely benign based on ACMG/AMP sequence variant interpretation guidelines (Richards et al. 2015 PMID: 25741868, with internal and published modifications).

NM_005173.4(ATP2A3):c.936G>A (p.Pro312=)

Gene: ATP2A3 (ATPase sarcoplasmic/endoplasmic reticulum Ca2+ transporting 3; minus strand). Cytogenetic location: 17p13.2.
Variant type: single nucleotide variant.
Coding change: c.936G>A on transcript NM_005173.4 (MANE Select); coding-DNA position 936, G replaced by A.
Protein change: p.Pro312=; no amino-acid change (proline 312 retained).
Molecular consequence: synonymous variant.
Genome position (GRCh38, 1-based): chr17:3,947,550, C>T on the plus strand (G>A on the coding strand, the complement: ATP2A3 is on the minus strand). VCF-style: chr17-3947550-C-T. GRCh37 (hg19) VCF-style: chr17-3850844-C-T.
Other names: c.936G>A, p.Pro312= (NM_174953.3, NM_174954.3, NM_174955.3 and 3 more transcripts).
Identifiers: ClinVar variation 3038711 (VCV003038711.2), dbSNP rs374049814, ClinGen allele CA287115229.